The following is an entry in ClinVar:

NM_016580.4(PCDH12):c.2802C>A (p.Ser934Arg)

Genes: PCDH12 (protocadherin 12; minus strand), RNF14 (ring finger protein 14; plus strand). Cytogenetic location: 5q31.3.
Variant type: single nucleotide variant.
Coding change: c.2802C>A on transcript NM_016580.4 (MANE Select); coding-DNA position 2802, C replaced by A.
Protein change: p.Ser934Arg; replaces serine 934 with arginine.
Molecular consequence: missense variant.
Genome position (GRCh38, 1-based): chr5:141,955,050, G>T on the plus strand (C>A on the coding strand, the complement: PCDH12 is on the minus strand). VCF-style: chr5-141955050-G-T. GRCh37 (hg19) VCF-style: chr5-141334615-G-T.
Other names: short protein forms S934R.
Identifiers: ClinVar variation 2126093 (VCV002126093.4), dbSNP rs1753151112, ClinGen allele CA361571138.

ClinVar aggregate classification (germline): Uncertain significance (1 of 4 stars; one submission).

Allele frequency attached by ClinVar (database versions not stated): TOPMed below 0.00001.

Submission:

Labcorp Genetics (formerly Invitae), Labcorp
Classification: Uncertain significance. Last evaluated: 2023-12-11. Review status: criteria provided, single submitter. Criteria: Invitae Variant Classification Sherloc (09022015). Collection method: clinical testing. Allele origin: germline.
Comment: This sequence change replaces serine, which is neutral and polar, with arginine, which is basic and polar, at codon 934 of the PCDH12 protein (p.Ser934Arg). This variant is not present in population databases (gnomAD no frequency). This variant has not been reported in the literature in individuals affected with PCDH12-related conditions. ClinVar contains an entry for this variant (Variation ID: 2126093). Advanced modeling of protein sequence and biophysical properties (such as structural, functional, and spatial information, amino acid conservation, physicochemical variation, residue mobility, and thermodynamic stability) performed at Invitae indicates that this missense variant is not expected to disrupt PCDH12 protein function with a negative predictive value of 95%. In summary, the available evidence is currently insufficient to determine the role of this variant in disease. Therefore, it has been classified as a Variant of Uncertain Significance.